The following is an entry in ClinVar:

ClinVar aggregate classification (germline): Benign/Likely benign. Review status: criteria provided, multiple submitters, no conflicts (2 of 4 stars). 3 submissions from 3 submitters: Benign (1); Likely benign (2). Last evaluated 2026-01-31.

Conditions:
Chédiak-Higashi syndrome (CHS). Also called: Chediak-Higashi Syndrome. Identifiers: Orphanet 167, MedGen C0007965, MONDO:0008963, OMIM 214500.

Allele frequency attached by ClinVar (database versions not stated): gnomAD exomes 0.00021; ExAC 0.00074; gnomAD 0.00234; ESP Exome Variant Server 0.00238; TOPMed 0.00262; 1000 Genomes Project 0.00339; 1000 Genomes Project 30x 0.00406.
gnomAD v4.1: 668 of 1,576,720 alleles (0.042%); highest among the groups gnomAD compares: African/African-American, 0.79%; 3 homozygotes.

Submissions (3):

Labcorp Genetics (formerly Invitae), Labcorp
Classification: Benign for Chédiak-Higashi syndrome. Last evaluated: 2026-01-31. Review status: criteria provided, single submitter. Criteria: Invitae Variant Classification Sherloc (09022015). Collection method: clinical testing. Allele origin: germline.

Blueprint Genetics
Classification: Likely benign. Last evaluated: 2024-09-23. Review status: criteria provided, single submitter. Criteria: ACMG Guidelines, 2015. Collection method: clinical testing. Allele origin: germline.

Illumina Laboratory Services, Illumina
Classification: Likely benign for Chédiak-Higashi syndrome. Last evaluated: 2018-01-12. Review status: criteria provided, single submitter. Criteria: ICSL Variant Classification Criteria 13 December 2019. Collection method: clinical testing. Allele origin: germline.
Comment: This variant was observed in the ICSL laboratory as part of a predisposition screen in an ostensibly healthy population. It had not been previously curated by ICSL or reported in the Human Gene Mutation Database (HGMD: prior to June 1st, 2018), and was therefore a candidate for classification through an automated scoring system. Utilizing variant allele frequency, disease prevalence and penetrance estimates, and inheritance mode, an automated score was calculated to assess if this variant is too frequent to cause the disease. Based on the score and internal cut-off values, a variant classified as likely benign is not then subjected to further curation. The score for this variant resulted in a classification of likely benign for this disease.

NM_000081.4(LYST):c.5023+14G>A

Gene: LYST (lysosomal trafficking regulator; minus strand). Cytogenetic location: 1q42.3.
Variant type: single nucleotide variant.
Coding change: c.5023+14G>A on transcript NM_000081.4 (MANE Select); 14 bases into the intron after coding-DNA position 5023, G replaced by A.
Molecular consequence: intron variant.
Genome position (GRCh38, 1-based): chr1:235,781,913, C>T on the plus strand (G>A on the coding strand, the complement: LYST is on the minus strand). VCF-style: chr1-235781913-C-T. GRCh37 (hg19) VCF-style: chr1-235945213-C-T.
Other names: c.5023+14G>A (NM_001301365.1).
Identifiers: ClinVar variation 876812 (VCV000876812.13), dbSNP rs115581194, ClinGen allele CA1466712.